The following is an entry in ClinVar:

ClinVar aggregate classification (germline): Uncertain significance. Review status: criteria provided, multiple submitters, no conflicts (2 of 4 stars). 2 submissions from 2 submitters: Uncertain significance (2). Last evaluated 2025-07-18.

Conditions:
Saldino-Mainzer syndrome (SRTD9). Also called: CONORENAL SYNDROME; SHORT-RIB THORACIC DYSPLASIA 9 WITHOUT POLYDACTYLY; short-rib thoracic dysplasia 9 with or without polydactyly; Renal dysplasia, retinal pigmentary dystrophy, cerebellar ataxia and skeletal dysplasia. Identifiers: Orphanet 140969, MedGen C1849437, MONDO:0009964, OMIM 266920.
Retinitis pigmentosa 80 (RP80). Identifiers: MedGen C4540439, MONDO:0054708, OMIM 617781.

Submissions (2):

Labcorp Genetics (formerly Invitae), Labcorp
Classification: Uncertain significance for Saldino-Mainzer syndrome. Last evaluated: 2025-07-18. Review status: criteria provided, single submitter. Criteria: Invitae Variant Classification Sherloc (09022015). Collection method: clinical testing. Allele origin: germline.
Comment: This variant, c.3955_3960dup, results in the insertion of 2 amino acid(s) of the IFT140 protein (p.Ala1319_Lys1320dup), but otherwise preserves the integrity of the reading frame. This variant is present in population databases (rs772351317, gnomAD 0.003%). This variant has not been reported in the literature in individuals affected with IFT140-related conditions. ClinVar contains an entry for this variant (Variation ID: 954234). Experimental studies and prediction algorithms are not available or were not evaluated, and the functional significance of this variant is currently unknown. In summary, the available evidence is currently insufficient to determine the role of this variant in disease. Therefore, it has been classified as a Variant of Uncertain Significance.

Fulgent Genetics
Classification: Uncertain significance for Saldino-Mainzer syndrome; Retinitis pigmentosa 80. Last evaluated: 2022-03-18. Review status: criteria provided, single submitter. Criteria: ACMG Guidelines, 2015. Collection method: clinical testing. Allele origin: unknown.

NM_014714.4(IFT140):c.3943GCCAAG[4] (p.1315AK[4])

Gene: IFT140 (intraflagellar transport 140; minus strand). Cytogenetic location: 16p13.3.
Variant type: Microsatellite.
Coding change: c.3943GCCAAG[4] on transcript NM_014714.4 (MANE Select); four copies in a row of the 6-base unit GCCAAG starting at c.3943; the reference has three copies in a row; one copy, 6 bases duplicated; also written c.3955_3960dup.
Protein change: p.1315AK[4].
Molecular consequence: inframe insertion.
Genome position (GRCh38, 1-based): chr16:1,519,961-1,519,966, CTTGGC duplicated on the plus strand (GCCAAG on the coding strand, the reverse complement: IFT140 is on the minus strand); duplicating any 6 consecutive bases within chr16:1,519,961-1,519,979 gives the same sequence; the position shown is the placement nearest the transcript's 3' end. VCF-style (leftmost placement, unchanged base first): chr16-1519960-T-TCTTGGC. GRCh37 (hg19) VCF-style: chr16-1569961-T-TCTTGGC.
Other names: c.3955_3960dup (NM_014714.4).
Identifiers: ClinVar variation 954234 (VCV000954234.9), dbSNP rs746697405, ClinGen allele CA7812968.